The following is an entry in ClinVar:

NM_000492.4(CFTR):c.4243-20A>G

Genes: CFTR (CF transmembrane conductance regulator; plus strand), LOC111674477 (CFTR intron 23 enhancer; plus strand). Cytogenetic location: 7q31.2.
Variant type: single nucleotide variant.
Coding change: c.4243-20A>G on transcript NM_000492.4 (MANE Select); 20 bases into the intron before coding-DNA position 4243, A replaced by G.
Molecular consequence: intron variant.
Genome position (GRCh38, 1-based): chr7:117,666,888, A>G. VCF-style: chr7-117666888-A-G. GRCh37 (hg19) VCF-style: chr7-117306942-A-G.
Identifiers: ClinVar variation 439084 (VCV000439084.40), dbSNP rs138025486, ClinGen allele CA4451673.
Genomic context (GRCh38, chr7:117,666,888, plus strand): 5'-TTGAGCCTGTGCCAGTTTCTGTCCCTGCTCTGGTCTGACCTGCCTTCTGTCCCAGATCTC[A>G]CTAACAGCCATTTCCCTAGGTCATAGAAGAGAACAAAGTGCGGCAGTACGATTCCATCCA-3'

ClinVar aggregate classification (germline): Conflicting classifications of pathogenicity. Review status: criteria provided, conflicting classifications (1 of 4 stars). 11 submissions from 11 submitters: Uncertain significance (2); Likely benign (7). 2 of the submissions do not count toward it. Last evaluated 2026-03-18.

Conditions:
Hereditary pancreatitis (PCTT). Also called: Hereditary chronic pancreatitis; PRSS1-Related Hereditary Pancreatitis. Identifiers: Orphanet 676, MedGen C0238339, MONDO:0008185, OMIM 167800.
Cystic fibrosis (CF). Also called: MUCOVISCIDOSIS. Identifiers: Orphanet 586, MedGen C0010674, MONDO:0009061, OMIM 219700. Disease mechanism: loss of function.
CFTR-related disorder (CFTR-RD). Also called: CFTR-related condition; CFTR-related disorders. Identifiers: MedGen C5924204, MONDO:7770004.

Allele frequency attached by ClinVar (database versions not stated): gnomAD exomes 0.00005 and 0.00021; ExAC 0.00023; gnomAD 0.00081 and 0.00086; ESP Exome Variant Server 0.00085; TOPMed 0.00096; 1000 Genomes Project 0.00120; 1000 Genomes Project 30x 0.00125.
gnomAD v4.1: 207 of 1,612,420 alleles (0.013%); highest among the groups gnomAD compares: African/African-American, 0.24%; no homozygotes.

Submissions (11):

Women's Health and Genetics/Laboratory Corporation of America, LabCorp
Classification: Likely benign. Last evaluated: 2026-03-18. Review status: criteria provided, single submitter. Criteria: LabCorp Variant Classification Summary - May 2015. Collection method: clinical testing. Allele origin: germline.
Comment: Variant summary: CFTR c.4243-20A>G alters a non-conserved nucleotide located at a position not widely known to affect splicing. Consensus agreement among computation tools predict no significant impact on normal splicing, which has been confirmed by minigene assay (Leman_2020). The variant allele was found at a frequency of 0.00021 in 249550 control chromosomes, predominantly at a frequency of 0.0027 within the African or African-American subpopulation in the gnomAD database. This frequency is not significantly higher than estimated for disease-causing variants in CFTR; however, prevalence of cystic fibrosis is known to be lower in Africans (e.g. PMID 9506637), therefore this variant may still represent a benign polymorphism. c.4243-20A>G has been observed in a compound heterozygous individual affected with Cystic Fibrosis who carried two additional variants (F508del and c.3165dupA; phase not specified) (Raraigh_2022), providing additional evidence for a benign role. c.4243-20A>G has also been reported in heterozygosity in individuals affected with various conditions, including chronic- or recurrent pancreatitis, Pseudomonas pneumonia, idiopathic bronchiectasis and asthma (Keiles_2006, Fajac_2008, Crespo-Lessmann_2021). The variant was also identified in individuals with a positive newborn screen result (Ridge_2013, Lefterova_2016, Salinas_2017, Kasi_2020); however, one of these individuals also carried an additional variant (F508del; phase not specified) and was reportedly asymptomatic with a normal sweat chloride level (Kasi_2020), whereas the other individual carried two other variants c.2988+1G>A, c.224G>T (p.Arg75Leu) (classified internally as pathogenic for cystic fibrosis, and VUS-possibly pathogenic for CBAVD, respectively), which could potentially explain the positive newborn screen finding (Ridge_2013). These reports do not provide unequivocal conclusions about association of the variant with Cystic Fibrosis. The following publications have been ascertained in the context of this evaluation (PMID: 17003641, 18507830, 23343000, 26847993, 28465863, 31844968, 31992191, 34086689, 33946859, 34782259, 36409994). ClinVar contains an entry for this variant (Variation ID: 439084). Based on the evidence outlined above, the variant was classified as likely benign.

Labcorp Genetics (formerly Invitae), Labcorp
Classification: Likely benign for Cystic fibrosis. Last evaluated: 2026-01-31. Review status: criteria provided, single submitter. Criteria: Invitae Variant Classification Sherloc (09022015). Collection method: clinical testing. Allele origin: germline.

Blueprint Genetics
Classification: Likely benign. Last evaluated: 2024-05-29. Review status: criteria provided, single submitter. Criteria: ACMG Guidelines, 2015. Collection method: clinical testing. Allele origin: germline.

Johns Hopkins Genomics, Johns Hopkins University
Classification: Likely benign for Cystic fibrosis. Last evaluated: 2024-05-08. Review status: criteria provided, single submitter. Criteria: ACMG Guidelines, 2015. Collection method: clinical testing. Allele origin: germline.
Comment: PM2, BP2, BP4

ARUP Laboratories, Molecular Genetics and Genomics, ARUP Laboratories
Classification: Likely benign. Last evaluated: 2023-05-09. Review status: criteria provided, single submitter. Criteria: ARUP Molecular Germline Variant Investigation Process 2024. Collection method: clinical testing. Allele origin: germline.

Ambry Genetics
Classification: Likely benign for Cystic fibrosis. Last evaluated: 2023-04-06. Review status: criteria provided, single submitter. Criteria: Ambry Variant Classification Scheme 2023. Collection method: clinical testing. Allele origin: germline.

Sema4
Classification: Likely benign for Hereditary pancreatitis. Last evaluated: 2020-11-25. Review status: criteria provided, single submitter. Criteria: Sema4 Curation Guidelines. Collection method: curation. Allele origin: germline.

Quest Diagnostics Nichols Institute San Juan Capistrano
Classification: Uncertain significance. Last evaluated: 2019-02-28. Review status: criteria provided, single submitter. Criteria: Quest Diagnostics criteria. Collection method: clinical testing. Allele origin: germline.

Eurofins Ntd Llc (ga)
Classification: Uncertain significance. Last evaluated: 2018-06-05. Review status: criteria provided, single submitter. Criteria: EGL ClinVar v180209 classification definitions. Collection method: clinical testing. Allele origin: germline. Observed: 3 variant alleles, 3 heterozygotes.

PreventionGenetics, part of Exact Sciences
Classification: Likely benign for CFTR-related condition. Last evaluated: 2022-10-14. Review status: no assertion criteria provided. Collection method: clinical testing. Allele origin: germline. Not counted in ClinVar's aggregate classification.
Comment: This variant is classified as likely benign based on ACMG/AMP sequence variant interpretation guidelines (Richards et al. 2015 PMID: 25741868, with internal and published modifications).

Counsyl
Classification: Likely benign for Cystic fibrosis. Last evaluated: 2017-01-06. Review status: no assertion criteria provided. Collection method: clinical testing. Allele origin: unknown. Not counted in ClinVar's aggregate classification.

Literature cited by the submitters: PubMed 17003641 (cited by 3 submitters); PubMed 18507830 (cited by Women's Health and Genetics/Laboratory Corporation of America, LabCorp); PubMed 23343000 (cited by 3 submitters); PubMed 26847993 (cited by 3 submitters); PubMed 28465863 (cited by 4 submitters); PubMed 31844968 (cited by Women's Health and Genetics/Laboratory Corporation of America, LabCorp and Sema4); PubMed 31992191 (cited by Women's Health and Genetics/Laboratory Corporation of America, LabCorp); PubMed 34086689 (cited by Women's Health and Genetics/Laboratory Corporation of America, LabCorp); PubMed 33946859 (cited by Women's Health and Genetics/Laboratory Corporation of America, LabCorp and Johns Hopkins Genomics, Johns Hopkins University); PubMed 34782259 (cited by Women's Health and Genetics/Laboratory Corporation of America, LabCorp and Johns Hopkins Genomics, Johns Hopkins University); PubMed 36409994 (cited by Women's Health and Genetics/Laboratory Corporation of America, LabCorp and Johns Hopkins Genomics, Johns Hopkins University).